The following is an entry in ClinVar:

ClinVar aggregate classification (germline): Pathogenic (1 of 4 stars; one submission).

Conditions:
DICER1-related tumor predisposition. Also called: DICER1-related pleuropulmonary blastoma cancer predisposition syndrome; DICER1 syndrome. Identifiers: Orphanet 284343, MedGen C3839822, MONDO:0100216.

Submission:

Labcorp Genetics (formerly Invitae), Labcorp
Classification: Pathogenic for DICER1-related tumor predisposition. Last evaluated: 2022-02-03. Review status: criteria provided, single submitter. Criteria: Invitae Variant Classification Sherloc (09022015). Collection method: clinical testing. Allele origin: germline.
Comment: For these reasons, this variant has been classified as Pathogenic. This variant has not been reported in the literature in individuals affected with DICER1-related conditions. This variant is not present in population databases (gnomAD no frequency). This sequence change creates a premature translational stop signal (p.Phe787Leufs*19) in the DICER1 gene. It is expected to result in an absent or disrupted protein product. Loss-of-function variants in DICER1 are known to be pathogenic (PMID: 19556464, 21266384).

Literature cited by the submitters: PubMed 19556464; PubMed 21266384.

NM_177438.3(DICER1):c.2361del (p.Phe787fs)

Gene: DICER1 (dicer 1, ribonuclease III; minus strand). Cytogenetic location: 14q32.13.
Variant type: Deletion.
Coding change: c.2361del on transcript NM_177438.3 (MANE Select); coding-DNA position 2361, one base deleted (T; older notation c.2361delT).
Protein change: p.Phe787fs; shifts the reading frame from phenylalanine 787.
Molecular consequence: frameshift variant. On other transcripts: non-coding transcript variant (6).
Genome position (GRCh38, 1-based): chr14:95,108,399, A deleted on the plus strand (T on the coding strand, the reverse complement: DICER1 is on the minus strand); the first of 3 consecutive A bases (chr14:95,108,399-95,108,401); deleting any one gives the same sequence. VCF-style (leftmost placement, unchanged base first): chr14-95108398-TA-T. GRCh37 (hg19) VCF-style: chr14-95574735-TA-T.
Other names: c.2361del, p.Phe787fs (NM_001271282.3, NM_001291628.2, NM_001395677.1 and 12 more transcripts); c.2359delT, p.Phe787Leufs (NM_001395681.1); c.2079del, p.Phe693fs (NM_001395686.1); c.1956del, p.Phe652fs (NM_001395687.1, NM_001395688.1, NM_001395689.1 and 2 more transcripts); c.1794del, p.Phe598fs (NM_001395691.1); c.678del, p.Phe226fs (NM_001395697.1); short protein forms F787fs, F226fs, F598fs, F652fs, F693fs.
Identifiers: ClinVar variation 2087913 (VCV002087913.4), dbSNP rs2542854146, ClinGen allele CA2580089100.
Genomic context (GRCh38, chr14:95,108,398, plus strand): 5'-TGGCCGTCAGTATTCCAAAGCATCTTGTGGTATCTTCAGGAGGATAGAGCTTCCGCCTTC[TA>T]AAGTTGAGTTCATCAGGTAAAGGTGTAGTTAAAACCATTCCTATCACATACAGGTAACAG-3'